The following is an entry in ClinVar:

ClinVar aggregate classification (germline): Likely pathogenic (1 of 4 stars; one submission).

Conditions:
GNPTAB-mucolipidosis. Also called: UDP-N-acetylglucosamine-1-phosphotransferase subunit alpha/beta deficiency. Identifiers: MedGen CN322573, MONDO:0100122.

Submission:

Myriad Genetics, Inc.
Classification: Likely pathogenic for GNPTAB-mucolipidosis. Last evaluated: 2022-04-02. Review status: criteria provided, single submitter. Criteria: Myriad Autosomal Dominant, Autosomal Recessive and X-Linked Classification Criteria (2023). Collection method: clinical testing. Allele origin: unknown.
Comment: NM_024312.4(GNPTAB):c.1954_1955delTT(L652Sfs*2) is expected to be pathogenic in the context of GNPTAB-related disorders. This variant is predicted to lead to an abnormal or absent protein product due to the creation of a premature termination codon in GNPTAB, a gene where loss-of-function variants are known to be pathogenic. Please note: this variant was assessed in the context of healthy population screening.

NM_024312.5(GNPTAB):c.1954_1955del (p.Leu652fs)

Gene: GNPTAB (N-acetylglucosamine-1-phosphate transferase subunits alpha and beta; minus strand). Cytogenetic location: 12q23.2.
Variant type: Deletion.
Coding change: c.1954_1955del on transcript NM_024312.5 (MANE Select); coding-DNA positions 1954 to 1955, 2 bases deleted (TT; older notation c.1954_1955delTT).
Protein change: p.Leu652fs; shifts the reading frame from leucine 652.
Molecular consequence: frameshift variant.
Genome position (GRCh38, 1-based): chr12:101,764,962-101,764,963, AA deleted on the plus strand (TT on the coding strand, the reverse complement: GNPTAB is on the minus strand); deleting any 2 consecutive bases within chr12:101,764,962-101,764,964 gives the same sequence; the c. name uses the placement nearest the transcript's 3' end. VCF-style (leftmost placement, unchanged base first): chr12-101764961-TAA-T. GRCh37 (hg19) VCF-style: chr12-102158739-TAA-T.
Other names: short protein forms L652fs.
Identifiers: ClinVar variation 1725833 (VCV001725833.3), dbSNP rs2547957643, ClinGen allele CA2580085686.